The following is an entry in ClinVar:

NM_000116.5(TAFAZZIN):c.461-46C>T

Gene: TAFAZZIN (tafazzin, phospholipid-lysophospholipid transacylase; plus strand). Cytogenetic location: Xq28.
Variant type: single nucleotide variant.
Coding change: c.461-46C>T on transcript NM_000116.5 (MANE Select); 46 bases into the intron before coding-DNA position 461, C replaced by T.
Molecular consequence: intron variant.
Genome position (GRCh38, 1-based): chrX:154,419,497, C>T. VCF-style: chrX-154419497-C-T. GRCh37 (hg19) VCF-style: chrX-153647836-C-T.
Other names: c.515-46C>T (NM_001303465.2); c.461-46C>T (NM_181312.4); c.371-46C>T (NM_181311.4, NM_181313.4).
Identifiers: ClinVar variation 675486 (VCV000675486.1), dbSNP rs112760522, ClinGen allele CA10562344.
Genomic context (GRCh38, chrX:154,419,497, plus strand): 5'-AGAAGGGCCTGTTTCATTGAGGTTTGGAGAGTGTTGAGGGTAAGCTAACCTGTCACCCCA[C>T]GCCCCCGAGAATGGTTACTGATAGGGAGAGGCCTTTTCCTTGCAGGAGATGGCGTCTACC-3'

ClinVar aggregate classification (germline): Likely benign (1 of 4 stars; one submission).

Allele frequency attached by ClinVar (database versions not stated): gnomAD exomes 0.00133 and 0.00361; ExAC 0.00438; 1000 Genomes Project 0.01166; gnomAD 0.01214 and 0.01296; 1000 Genomes Project 30x 0.01270; TOPMed 0.01435; ESP Exome Variant Server 0.01732.
gnomAD v4.1: 2,824 of 1,177,661 alleles (0.24%); highest among the groups gnomAD compares: African/African-American, 4.2%; 56 homozygotes.

Submission:

GeneDx
Classification: Likely benign. Last evaluated: 2018-06-19. Review status: criteria provided, single submitter. Criteria: GeneDx Variant Classification (06012015). Collection method: clinical testing. Allele origin: germline. Affected: yes.
Comment: This variant is considered likely benign or benign based on one or more of the following criteria: it is a conservative change, it occurs at a poorly conserved position in the protein, it is predicted to be benign by multiple in silico algorithms, and/or has population frequency not consistent with disease.